The following is an entry in ClinVar:

ClinVar aggregate classification (germline): Uncertain significance. Review status: criteria provided, multiple submitters, no conflicts (2 of 4 stars). 5 submissions from 5 submitters: Uncertain significance (5). Last evaluated 2025-09-23.

Conditions:
Inborn genetic diseases. Identifiers: MedGen C0950123, MeSH D030342.
Ullrich congenital muscular dystrophy 2 (UCMD2). Identifiers: Orphanet 75840, MedGen C4225314, MONDO:0014654, OMIM 616470.
Bethlem myopathy 2 (BTHLM2). Identifiers: Orphanet 536516, Orphanet 610, MedGen C4225313, MONDO:0034022, OMIM 616471.

Allele frequency attached by ClinVar (database versions not stated): TOPMed 0.00002; ESP Exome Variant Server 0.00008; ExAC 0.00001; gnomAD 0.00003; gnomAD exomes 0.00001.
gnomAD v4.1: 12 of 1,611,684 alleles (0.00074%); highest among the groups gnomAD compares: Middle Eastern, 0.017%; no homozygotes.

Submissions (5):

Labcorp Genetics (formerly Invitae), Labcorp
Classification: Uncertain significance for Bethlem myopathy 2; Ullrich congenital muscular dystrophy 2. Last evaluated: 2025-09-23. Review status: criteria provided, single submitter. Criteria: Invitae Variant Classification Sherloc (09022015). Collection method: clinical testing. Allele origin: germline.
Comment: This sequence change replaces threonine, which is neutral and polar, with alanine, which is neutral and non-polar, at codon 76 of the COL12A1 protein (p.Thr76Ala). This variant is present in population databases (rs370684538, gnomAD 0.002%). This variant has not been reported in the literature in individuals affected with COL12A1-related conditions. ClinVar contains an entry for this variant (Variation ID: 573860). Invitae Evidence Modeling of protein sequence and biophysical properties (such as structural, functional, and spatial information, amino acid conservation, physicochemical variation, residue mobility, and thermodynamic stability) indicates that this missense variant is not expected to disrupt COL12A1 protein function with a negative predictive value of 80%. In summary, the available evidence is currently insufficient to determine the role of this variant in disease. Therefore, it has been classified as a Variant of Uncertain Significance.

Mayo Clinic Laboratories, Mayo Clinic
Classification: Uncertain significance. Last evaluated: 2025-03-06. Review status: criteria provided, single submitter. Criteria: ACMG Guidelines, 2015. Collection method: clinical testing. Allele origin: germline. Observed: 1 variant allele.
Comment: BP4_moderate

GeneDx
Classification: Uncertain significance. Last evaluated: 2022-11-30. Review status: criteria provided, single submitter. Criteria: GeneDx Variant Classification Process June 2021. Collection method: clinical testing. Allele origin: germline. Affected: yes.
Comment: Not observed at significant frequency in large population cohorts (gnomAD); In silico analysis supports that this missense variant does not alter protein structure/function; Has not been previously published as pathogenic or benign to our knowledge; This variant is associated with the following publications: (PMID: 30760837)

Ambry Genetics
Classification: Uncertain significance for Inborn genetic diseases. Last evaluated: 2022-08-26. Review status: criteria provided, single submitter. Criteria: Ambry Variant Classification Scheme 2023. Collection method: clinical testing. Allele origin: germline.

Revvity Omics, Revvity
Classification: Uncertain significance. Last evaluated: 2020-02-12. Review status: criteria provided, single submitter. Criteria: ACMG Guidelines, 2015. Collection method: clinical testing. Allele origin: germline.

NM_004370.6(COL12A1):c.226A>G (p.Thr76Ala)

Gene: COL12A1 (collagen type XII alpha 1 chain; minus strand). Cytogenetic location: 6q13.
Variant type: single nucleotide variant.
Coding change: c.226A>G on transcript NM_004370.6 (MANE Select); coding-DNA position 226, A replaced by G.
Protein change: p.Thr76Ala; replaces threonine 76 with alanine.
Molecular consequence: missense variant. On other transcripts: intron variant (1).
Genome position (GRCh38, 1-based): chr6:75,192,320, T>C on the plus strand (A>G on the coding strand, the complement: COL12A1 is on the minus strand). VCF-style: chr6-75192320-T-C. GRCh37 (hg19) VCF-style: chr6-75902036-T-C.
Other names: p.Thr76Ala; c.73+10400A>G (NM_080645.3); short protein forms T76A.
Identifiers: ClinVar variation 573860 (VCV000573860.16), dbSNP rs370684538, ClinGen allele CA3894482.